The following is an entry in ClinVar:

ClinVar aggregate classification (germline): Uncertain significance (1 of 4 stars; one submission).

Submission:

Ambry Genetics
Classification: Uncertain significance. Last evaluated: 2025-11-26. Review status: criteria provided, single submitter. Criteria: Ambry Variant Classification Scheme 2023. Collection method: clinical testing. Allele origin: germline.
Comment: The c.422T>C (p.L141P) alteration is located in exon 1 (coding exon 1) of the UBTFL1 gene. This alteration results from a T to C substitution at nucleotide position 422, causing the leucine (L) at amino acid position 141 to be replaced by a proline (P). Based on data from gnomAD, the C allele has an overall frequency of 0.005% (10/207390) total alleles studied. The highest observed frequency was 0.07% (10/14200) of East Asian alleles. Based on insufficient or conflicting evidence, the clinical significance of this alteration remains unclear.

NM_001143975.1(UBTFL1):c.422T>C (p.Leu141Pro)

Gene: UBTFL1 (upstream binding transcription factor like 1; plus strand). Cytogenetic location: 11q14.3.
Variant type: single nucleotide variant.
Coding change: c.422T>C on transcript NM_001143975.1 (MANE Select); coding-DNA position 422, T replaced by C.
Protein change: p.Leu141Pro; replaces leucine 141 with proline.
Molecular consequence: missense variant.
Genome position (GRCh38, 1-based): chr11:90,086,371, T>C. VCF-style: chr11-90086371-T-C. GRCh37 (hg19) VCF-style: chr11-89819539-T-C.
Other names: short protein forms L141P.
Identifiers: ClinVar variation 4601533 (VCV004601533.1).
Genomic context (GRCh38, chr11:90,086,371, plus strand): 5'-TGTACCCTGGGATGAGAAGCCAGGAACTGACCAAAATCCTGTCAAAGAAATACAGGGAAC[T>C]CCCAGAGCAGATGAAACAGAAATATATTCAGGATTTCCGGAAGGAAAAGCAAGAATTTGA-3'
Protein context (NP_001137447.1, residues 131-151): TKILSKKYRE[Leu141Pro]PEQMKQKYIQ